The following is an entry in ClinVar:

NM_000059.4(BRCA2):c.7489A>T (p.Lys2497Ter)

Gene: BRCA2 (BRCA2 DNA repair associated; plus strand). Cytogenetic location: 13q13.1.
Variant type: single nucleotide variant.
Coding change: c.7489A>T on transcript NM_000059.4 (MANE Select); coding-DNA position 7489, A replaced by T.
Protein change: p.Lys2497Ter; replaces lysine 2497 with a stop codon.
Molecular consequence: nonsense. On other transcripts: non-coding transcript variant (1).
Genome position (GRCh38, 1-based): chr13:32,356,481, A>T. VCF-style: chr13-32356481-A-T. GRCh37 (hg19) VCF-style: chr13-32930618-A-T.
Other names: c.7393A>T, p.Lys2465Ter (NM_001406719.1); c.7489A>T, p.Lys2497Ter (NM_001406720.1, NM_001432077.1); c.2557A>T, p.Lys853Ter (NM_001406721.1); c.1072A>T, p.Lys358Ter (NM_001406722.1); short protein forms K2465*, K2497*, K358*, K853*.
Identifiers: ClinVar variation 4532232 (VCV004532232.1).

ClinVar aggregate classification (germline): Pathogenic (1 of 4 stars; one submission).

Conditions:
Breast-ovarian cancer, familial, susceptibility to, 2 (BROVCA2). Also called: BRCA2 Hereditary Breast and Ovarian Cancer. Identifiers: Orphanet 145, MedGen C2675520, MONDO:0012933, OMIM 612555. Disease mechanism: loss of function.

Submission:

MVZ Medizinische Genetik Mainz
Classification: Pathogenic for Breast-ovarian cancer, familial, susceptibility to, 2. Last evaluated: 2025-10-31. Review status: criteria provided, single submitter. Criteria: UK Practice Guidelines For Variant Classification V4 01 2020. Collection method: clinical testing. Allele origin: germline. Inheritance: Autosomal dominant inheritance. Affected: yes. Observed: 1 variant allele.
Comment: ACMG Criteria: PVS1,PM5_STR,PM2_SUP